The following is an entry in ClinVar:

NM_001430.5(EPAS1):c.2231G>T (p.Arg744Met)

Gene: EPAS1 (endothelial PAS domain protein 1; plus strand). Cytogenetic location: 2p21.
Variant type: single nucleotide variant.
Coding change: c.2231G>T on transcript NM_001430.5 (MANE Select); coding-DNA position 2231, G replaced by T.
Protein change: p.Arg744Met; replaces arginine 744 with methionine.
Molecular consequence: missense variant.
Genome position (GRCh38, 1-based): chr2:46,382,033, G>T. VCF-style: chr2-46382033-G-T. GRCh37 (hg19) VCF-style: chr2-46609172-G-T.
Other names: short protein forms R744M.
Identifiers: ClinVar variation 1788124 (VCV001788124.2), dbSNP rs774100607, ClinGen allele CA1645262.

ClinVar aggregate classification (germline): Uncertain significance (1 of 4 stars; one submission).

Conditions:
Inborn genetic diseases. Identifiers: MedGen C0950123, MeSH D030342.

Allele frequency attached by ClinVar (database versions not stated): TOPMed below 0.00001; gnomAD 0.00001; ExAC 0.00002.

Submission:

Ambry Genetics
Classification: Uncertain significance for Inborn genetic diseases. Last evaluated: 2024-03-20. Review status: criteria provided, single submitter. Criteria: Ambry Variant Classification Scheme 2023. Collection method: clinical testing. Allele origin: germline.
Comment: The p.R744M variant (also known as c.2231G>T), located in coding exon 14 of the EPAS1 gene, results from a G to T substitution at nucleotide position 2231. The arginine at codon 744 is replaced by methionine, an amino acid with similar properties. This amino acid position is conserved. In addition, this alteration is predicted to be tolerated by in silico analysis. Since supporting evidence is limited at this time, the clinical significance of this alteration remains unclear.